The following is an entry in ClinVar:

ClinVar aggregate classification (germline): Pathogenic. Review status: criteria provided, multiple submitters, no conflicts (2 of 4 stars). 11 submissions from 11 submitters: Pathogenic (10). 1 of the submissions does not count toward it. Last evaluated 2025-09-30.

Conditions:
Arthrogryposis multiplex congenita 6. Identifiers: MedGen C5543431, MONDO:0030281, OMIM 619334.
Nemaline myopathy 2 (NEM2). Also called: Nemaline myopathy 2, autosomal recessive. Identifiers: MedGen C1850569, MONDO:0009725, OMIM 256030.
Nemaline myopathy. Also called: Myopathies, Nemaline. Identifiers: Orphanet 607, MedGen C0206157, MONDO:0018958.
Low-set ears. Identifiers: MedGen C0239234, HP:0000369.
Abnormality of the neck. Identifiers: MedGen C0266623, HP:0000464.
Dysphagia. Identifiers: MedGen C0011168, HP:0002015.

Allele frequency attached by ClinVar (database versions not stated): gnomAD exomes 0.00001 and 0.00003; gnomAD 0.00001; ESP Exome Variant Server 0.00017; TOPMed 0.00004.

Submissions (11):

Victorian Clinical Genetics Services, Murdoch Childrens Research Institute
Classification: Pathogenic for Arthrogryposis multiplex congenita 6. Last evaluated: 2025-09-30. Review status: criteria provided, single submitter. Criteria: ACMG Guidelines, 2015. Collection method: clinical testing. Allele origin: germline. Affected: yes.
Comment: This variant is classified as Pathogenic. Evidence in support of pathogenic classification: Variant is predicted to cause nonsense-mediated decay (NMD) and loss of protein (premature termination codon is located at least 54 nucleotides upstream of the final exon-exon junction); Variant is present in gnomAD <0.01 for a recessive condition (v4: 41 heterozygote(s), 0 homozygote(s)); This variant has strong previous evidence of pathogenicity in unrelated individuals. This variant has been classified as pathogenic by multiple clinical laboratories in ClinVar; Other NMD-predicted variants comparable to the one identified in this case have very strong previous evidence for pathogenicity (DECIPHER). Additional information: This variant is heterozygous; This gene is associated with autosomal recessive disease; Loss of function is a known mechanism of disease in this gene and is associated with arthrogryposis multiplex congenita 6 (MIM#619334) and nemaline myopathy 2 (MIM#256030); Heterozygous variant detected in trans with a second PATHOGENIC heterozygous variant, NM_001164508.2(NEB):c.17695dup; p.(Leu5899Profs*10), in a recessive disease.

Natera, Inc.
Classification: Pathogenic for Nemaline myopathy type 2. Last evaluated: 2025-09-04. Review status: criteria provided, single submitter. Criteria: Natera Variant Classification Schema (03/2026). Collection method: clinical testing. Allele origin: germline.
Comment: The c.24632_24633del variant in NEB is a frameshift variant predicted to shift the reading frame beginning at codon 8211 and leads to a stop codon 4 codons downstream. This variant is expected to result in nonsense mediated decay, truncation, or a dysfunctional protein product. This variant is rare in the general population with a frequency below the threshold expected for the associated phenotype(s). This variant has been observed in one or more individuals affected with the associated recessive disease, as either homozygous or compound heterozygous with a second variant (PMID: 24056153). Given the available evidence, this variant is classified as Pathogenic.

Labcorp Genetics (formerly Invitae), Labcorp
Classification: Pathogenic for Nemaline myopathy 2. Last evaluated: 2025-04-17. Review status: criteria provided, single submitter. Criteria: Invitae Variant Classification Sherloc (09022015). Collection method: clinical testing. Allele origin: germline.
Comment: This sequence change creates a premature translational stop signal (p.Pro8211Argfs*4) in the NEB gene. It is expected to result in an absent or disrupted protein product. Loss-of-function variants in NEB are known to be pathogenic (PMID: 25205138). This variant is present in population databases (rs555445835, gnomAD 0.003%). This premature translational stop signal has been observed in individual(s) with nemaline myopathy (PMID: 24056153, 25205138). In at least one individual the data is consistent with being in trans (on the opposite chromosome) from a pathogenic variant. This variant is also known as c.24527_24528delCT. ClinVar contains an entry for this variant (Variation ID: 265493). For these reasons, this variant has been classified as Pathogenic.

Genomic Medicine Center of Excellence, King Faisal Specialist Hospital and Research Centre
Classification: Pathogenic for Nemaline myopathy 2. Last evaluated: 2024-04-04. Review status: criteria provided, single submitter. Criteria: ACMG Guidelines, 2015. Collection method: clinical testing. Allele origin: germline.

Baylor Genetics
Classification: Pathogenic for Arthrogryposis multiplex congenita 6. Last evaluated: 2023-12-30. Review status: criteria provided, single submitter. Criteria: ACMG Guidelines, 2015. Collection method: clinical testing. Allele origin: unknown.

GeneDx
Classification: Pathogenic. Last evaluated: 2022-06-24. Review status: criteria provided, single submitter. Criteria: GeneDx Variant Classification Process June 2021. Collection method: clinical testing. Allele origin: germline. Affected: yes.
Comment: Frameshift variant predicted to result in protein truncation or nonsense mediated decay in a gene for which loss-of-function is a known mechanism of disease; Not observed at significant frequency in large population cohorts (gnomAD); This variant is associated with the following publications: (PMID: 24056153, 25205138, 33442022, 32528171)

Department of Pathology and Laboratory Medicine, Sinai Health System
Classification: Pathogenic for Nemaline myopathy 2; Arthrogryposis multiplex congenita 6. Last evaluated: 2022-03-15. Review status: criteria provided, single submitter. Criteria: ACMG Guidelines, 2015. Collection method: research. Allele origin: germline.

Revvity Omics, Revvity
Classification: Pathogenic. Last evaluated: 2020-06-23. Review status: criteria provided, single submitter. Criteria: ACMG Guidelines, 2015. Collection method: clinical testing. Allele origin: germline.

Knight Diagnostic Laboratories, Oregon Health and Sciences University
Classification: Pathogenic for Dysphagia; Abnormality of the neck; Low-set ears. Last evaluated: 2019-09-09. Review status: criteria provided, single submitter. Criteria: ACMG Guidelines, 2015. Collection method: clinical testing. Allele origin: germline. Observed: 1 variant allele.

Women's Health and Genetics/Laboratory Corporation of America, LabCorp
Classification: Pathogenic for Nemaline myopathy. Last evaluated: 2019-03-07. Review status: criteria provided, single submitter. Criteria: LabCorp Variant Classification Summary - May 2015. Collection method: clinical testing. Allele origin: germline.
Comment: Variant summary: NEB c.24632_24633delCT (p.Pro8211ArgfsX4) (also known as c.24527_24528delCT) results in a premature termination codon, predicted to cause a truncation of the encoded protein or absence of the protein due to nonsense mediated decay, which are commonly known mechanisms for disease. A truncation variant, c.25241T>G (p.Leu8414X), downstream of this position has been classified as pathogenic by our laboratory. The variant allele was found at a frequency of 8.4e-06 in 237000 control chromosomes (gnomAD). c.24632_24633delCT has been reported in the literature in multiple compound heterozygous individuals affected with Nemaline Myopathy 2 (Gajda 2013, Lehtokari 2014). These data indicate that the variant is likely associated with disease. To our knowledge, no experimental evidence demonstrating an impact on protein function has been reported. Two ClinVar submissions from clinical diagnostic laboratories (evaluation after 2014) cite the variant as pathogenic. Based on the evidence outlined above, the variant was classified as pathogenic.

Counsyl
Classification: Pathogenic for Nemaline myopathy 2. Last evaluated: 2017-05-16. Review status: no assertion criteria provided. Collection method: clinical testing. Allele origin: unknown. Not counted in ClinVar's aggregate classification.

Literature cited by the submitters: PubMed 24056153 (cited by 4 submitters); PubMed 25205138 (cited by Labcorp Genetics (formerly Invitae), Labcorp and Counsyl).

NM_001164508.2(NEB):c.24527_24528del (p.Pro8176fs)

Genes: RIF1 (replication timing regulatory factor 1; plus strand), NEB (nebulin; minus strand). Cytogenetic location: 2q23.3.
Variant type: Deletion.
Coding change: c.24527_24528del on transcript NM_001164508.2 (MANE Select); coding-DNA positions 24527 to 24528, 2 bases deleted (CT; older notation c.24527_24528delCT).
Protein change: p.Pro8176fs; shifts the reading frame from proline 8176.
Molecular consequence: frameshift variant.
Genome position (GRCh38, 1-based): chr2:151,494,212-151,494,213, AG deleted on the plus strand (CT on the coding strand, the reverse complement: NEB is on the minus strand). VCF-style (leftmost placement, unchanged base first): chr2-151494211-CAG-C. GRCh37 (hg19) VCF-style: chr2-152350725-CAG-C.
Other names: c.24527_24528del, p.Pro8176fs (NM_001164507.2); c.24632_24633del, p.Pro8211fs (NM_001271208.2); c.18959_18960del, p.Pro6320fs (NM_004543.5); short protein forms P6320fs, P8176fs, P8211fs.
Identifiers: ClinVar variation 265493 (VCV000265493.32), dbSNP rs555445835, ClinGen allele CA10588311.